The following is an entry in ClinVar:

NM_004519.4(KCNQ3):c.1206T>A (p.Tyr402Ter)

Gene: KCNQ3 (potassium voltage-gated channel subfamily Q member 3; minus strand). Cytogenetic location: 8q24.22.
Variant type: single nucleotide variant.
Coding change: c.1206T>A on transcript NM_004519.4 (MANE Select); coding-DNA position 1206, T replaced by A.
Protein change: p.Tyr402Ter; replaces tyrosine 402 with a stop codon.
Molecular consequence: nonsense.
Genome position (GRCh38, 1-based): chr8:132,170,363, A>T on the plus strand (T>A on the coding strand, the complement: KCNQ3 is on the minus strand). VCF-style: chr8-132170363-A-T. GRCh37 (hg19) VCF-style: chr8-133182610-A-T.
Other names: c.1206T>A (NM_004519.3); c.846T>A, p.Tyr282Ter (NM_001204824.2); short protein forms Y282*, Y402*.
Identifiers: ClinVar variation 1072811 (VCV001072811.8), dbSNP rs1489716280, ClinGen allele CA372289650.

ClinVar aggregate classification (germline): Conflicting classifications of pathogenicity. Review status: criteria provided, conflicting classifications (1 of 4 stars). 2 submissions from 2 submitters: Pathogenic (1); Uncertain significance (1). Last evaluated 2024-12-11.

Conditions:
Benign neonatal seizures. Also called: Convulsions benign familial neonatal dominant form; Autosomal dominant form of benign neonatal seizures; Benign familial neonatal epilepsy; Benign familial neonatal seizures; Benign neonatal familial convulsions. Identifiers: Orphanet 1949, MedGen C0220669, MONDO:0016027.

Submissions (2):

GeneDx
Classification: Uncertain significance. Last evaluated: 2024-12-11. Review status: criteria provided, single submitter. Criteria: GeneDx Variant Classification Process June 2021. Collection method: clinical testing. Allele origin: germline. Affected: yes.
Comment: Not observed at significant frequency in large population cohorts (gnomAD); Nonsense variant predicted to result in protein truncation or nonsense mediated decay in a gene or region of a gene for which loss of function is not a well-established mechanism of disease; Has not been previously published as pathogenic or benign to our knowledge

Labcorp Genetics (formerly Invitae), Labcorp
Classification: Pathogenic for Benign neonatal seizures. Last evaluated: 2020-10-21. Review status: criteria provided, single submitter. Criteria: Invitae Variant Classification Sherloc (09022015). Collection method: clinical testing. Allele origin: germline.
Comment: This sequence change creates a premature translational stop signal (p.Tyr402*) in the KCNQ3 gene. It is expected to result in an absent or disrupted protein product. Loss-of-function variants in KCNQ3 are known to be pathogenic (PMID: 29383681, 29852413). This variant is not present in population databases (ExAC no frequency). This variant has not been reported in the literature in individuals with KCNQ3-related conditions. For these reasons, this variant has been classified as Pathogenic.

Literature cited by the submitters: PubMed 29383681 (cited by Labcorp Genetics (formerly Invitae), Labcorp); PubMed 29852413 (cited by Labcorp Genetics (formerly Invitae), Labcorp).